The following is an entry in ClinVar:

NM_000426.4(LAMA2):c.1613A>G (p.Gln538Arg)

Gene: LAMA2 (laminin subunit alpha 2; plus strand). Cytogenetic location: 6q22.33.
Variant type: single nucleotide variant.
Coding change: c.1613A>G on transcript NM_000426.4 (MANE Select); coding-DNA position 1613, A replaced by G.
Protein change: p.Gln538Arg; replaces glutamine 538 with arginine.
Molecular consequence: missense variant.
Genome position (GRCh38, 1-based): chr6:129,192,684, A>G. VCF-style: chr6-129192684-A-G. GRCh37 (hg19) VCF-style: chr6-129513829-A-G.
Other names: c.1613A>G, p.Gln538Arg (NM_001079823.2); short protein forms Q538R.
Identifiers: ClinVar variation 566216 (VCV000566216.6), dbSNP rs1562316296, ClinGen allele CA365608097.

ClinVar aggregate classification (germline): Uncertain significance (1 of 4 stars; one submission).

Conditions:
LAMA2-related muscular dystrophy (LAMA2-RD). Also called: Laminin alpha 2-related dystrophy. Identifiers: MedGen C5679788, MONDO:0100228.

Submission:

Labcorp Genetics (formerly Invitae), Labcorp
Classification: Uncertain significance for LAMA2-related muscular dystrophy. Last evaluated: 2021-08-20. Review status: criteria provided, single submitter. Criteria: Invitae Variant Classification Sherloc (09022015). Collection method: clinical testing. Allele origin: germline.
Comment: This sequence change replaces glutamine with arginine at codon 538 of the LAMA2 protein (p.Gln538Arg). The glutamine residue is weakly conserved and there is a small physicochemical difference between glutamine and arginine. This variant is not present in population databases (ExAC no frequency). This variant has not been reported in the literature in individuals affected with LAMA2-related conditions. Algorithms developed to predict the effect of missense changes on protein structure and function (SIFT, PolyPhen-2, Align-GVGD) all suggest that this variant is likely to be tolerated. In summary, the available evidence is currently insufficient to determine the role of this variant in disease. Therefore, it has been classified as a Variant of Uncertain Significance.